The following is an entry in ClinVar:

NM_001347721.2(DYRK1A):c.1A>T (p.Met1Leu)

Gene: DYRK1A (dual specificity tyrosine phosphorylation regulated kinase 1A; plus strand). Cytogenetic location: 21q22.13.
Variant type: single nucleotide variant.
Coding change: c.1A>T on transcript NM_001347721.2 (MANE Select); coding-DNA position 1, A replaced by T.
Protein change: p.Met1Leu; changes the start codon (methionine 1).
Molecular consequence: missense variant, initiator codon variant. On other transcripts: intron variant (1).
Genome position (GRCh38, 1-based): chr21:37,420,375, A>T. VCF-style: chr21-37420375-A-T. GRCh37 (hg19) VCF-style: chr21-38792677-A-T.
Other names: c.1A>T, p.Met1Leu (NM_001347722.2, NM_001396.5, NM_101395.2 and 2 more transcripts); c.-77-52309A>T (NM_001347723.2); short protein forms M1L.
Identifiers: ClinVar variation 3764212 (VCV003764212.2).

ClinVar aggregate classification (germline): Likely pathogenic (1 of 4 stars; one submission).

Submission:

GeneDx
Classification: Likely pathogenic. Last evaluated: 2025-06-03. Review status: criteria provided, single submitter. Criteria: GeneDx Variant Classification Process June 2021. Collection method: clinical testing. Allele origin: germline.
Comment: Not observed at significant frequency in large population cohorts (gnomAD); Has not been previously published as pathogenic or benign to our knowledge